The following is an entry in ClinVar:

ClinVar aggregate classification (germline): Uncertain significance. Review status: criteria provided, multiple submitters, no conflicts (2 of 4 stars). 2 submissions from 2 submitters: Uncertain significance (2). Last evaluated 2022-02-15.

Conditions:
Autosomal recessive limb-girdle muscular dystrophy type 2A (LGMDR1). Also called: LEYDEN-MOEBIUS MUSCULAR DYSTROPHY; MUSCULAR DYSTROPHY, PELVOFEMORAL; Limb-girdle muscular dystrophy, type 2A; Calpainopathy; Muscular dystrophy, limb-girdle, type 2A, Amish. Identifiers: Orphanet 267, MedGen C1869123, MONDO:0009675, OMIM 253600. Disease mechanism: loss of function.

Allele frequency attached by ClinVar (database versions not stated): gnomAD 0.00003.
gnomAD v4.1: 1 of 1,613,784 alleles (0.000062%); highest among the groups gnomAD compares: Non-Finnish European, 0.000085%; no homozygotes.

Submissions (2):

Labcorp Genetics (formerly Invitae), Labcorp
Classification: Uncertain significance for Autosomal recessive limb-girdle muscular dystrophy type 2A. Last evaluated: 2022-02-15. Review status: criteria provided, single submitter. Criteria: Invitae Variant Classification Sherloc (09022015). Collection method: clinical testing. Allele origin: germline.
Comment: This sequence change replaces glutamic acid, which is acidic and polar, with aspartic acid, which is acidic and polar, at codon 623 of the CAPN3 protein (p.Glu623Asp). This variant is present in population databases (no rsID available, gnomAD 0.007%). This variant has not been reported in the literature in individuals affected with CAPN3-related conditions. ClinVar contains an entry for this variant (Variation ID: 498996). Algorithms developed to predict the effect of missense changes on protein structure and function (SIFT, PolyPhen-2, Align-GVGD) all suggest that this variant is likely to be tolerated. In summary, the available evidence is currently insufficient to determine the role of this variant in disease. Therefore, it has been classified as a Variant of Uncertain Significance.

Eurofins Ntd Llc (ga)
Classification: Uncertain significance. Last evaluated: 2016-12-28. Review status: criteria provided, single submitter. Criteria: EGL Classification Definitions 2015. Collection method: clinical testing. Allele origin: germline. Observed: 1 variant allele, 1 heterozygote.

NM_000070.3(CAPN3):c.1869G>C (p.Glu623Asp)

Gene: CAPN3 (calpain 3; plus strand). Cytogenetic location: 15q15.1.
Variant type: single nucleotide variant.
Coding change: c.1869G>C on transcript NM_000070.3 (MANE Select); coding-DNA position 1869, G replaced by C.
Protein change: p.Glu623Asp; replaces glutamic acid 623 with aspartic acid.
Molecular consequence: missense variant. On other transcripts: intron variant (3).
Genome position (GRCh38, 1-based): chr15:42,408,279, G>C. VCF-style: chr15-42408279-G-C. GRCh37 (hg19) VCF-style: chr15-42700477-G-C.
Other names: c.1851G>C, p.Glu617Asp (NM_024344.2); c.333G>C, p.Glu111Asp (NM_173088.2); c.1639-1024G>C (NM_173087.2); c.-81-1024G>C (NM_173090.2, NM_173089.2); short protein forms E623D, E111D, E617D.
Identifiers: ClinVar variation 498996 (VCV000498996.9), dbSNP rs1391429681, ClinGen allele CA392000805.